The following is an entry in ClinVar:

ClinVar aggregate classification (germline): Conflicting classifications of pathogenicity. Review status: criteria provided, conflicting classifications (1 of 4 stars). 13 submissions from 9 submitters: Uncertain significance (3); Benign (2); Likely benign (6). 2 of the submissions do not count toward it. Last evaluated 2026-05-01.

Conditions:
Early-onset myopathy with fatal cardiomyopathy (CMYO5). Also called: CONGENITAL MYOPATHY 5 WITH CARDIOMYOPATHY; Salih Myopathy. Identifiers: Orphanet 289377, MedGen C2673677, MONDO:0012714, OMIM 611705. Disease mechanism: loss of function.
Cardiovascular phenotype. Identifiers: MedGen CN230736.
Tibial muscular dystrophy (TMD). Also called: Udd Distal Myopathy – Tibial Muscular Dystrophy; UDD MYOPATHY; Tibial muscular dystrophy, tardive. Identifiers: Orphanet 609, MedGen C1838244, MONDO:0010870, OMIM 600334.
TTN-related disorder. Also called: TTN-related condition; TTN-related disease; TTN-related disorders.
Dilated cardiomyopathy 1G (CMD1G). Identifiers: Orphanet 154, MedGen C1858763, MONDO:0011400, OMIM 604145.
Autosomal recessive limb-girdle muscular dystrophy type 2J (LGMDR10). Also called: MUSCULAR DYSTROPHY, LIMB-GIRDLE, AUTOSOMAL RECESSIVE 10; Limb-girdle muscular dystrophy, type 2J. Identifiers: Orphanet 140922, MedGen C1837342, MONDO:0012127, OMIM 608807.
Myopathy, myofibrillar, 9, with early respiratory failure (MFM9). Also called: Myopathy, distal, with early respiratory failure, autosomal dominant; EDSTROM MYOPATHY; Hereditary myopathy with early respiratory failure; MYOPATHY, PROXIMAL, WITH EARLY RESPIRATORY MUSCLE INVOLVEMENT. Identifiers: Orphanet 178464, Orphanet 34521, MedGen C1863599, MONDO:0011362, OMIM 603689.

Allele frequency attached by ClinVar (database versions not stated): ExAC 0.00004; gnomAD exomes 0.00004 and 0.00006; gnomAD 0.00005 and 0.00006; TOPMed 0.00009.
gnomAD v4.1: 61 of 1,613,804 alleles (0.0038%); highest among the groups gnomAD compares: Middle Eastern, 0.016%; no homozygotes.

Submissions (13):

CeGaT Center for Human Genetics Tuebingen
Classification: Likely benign. Last evaluated: 2026-05-01. Review status: criteria provided, single submitter. Criteria: CeGaT Center For Human Genetics Tuebingen Variant Classification Criteria Version 2. Collection method: clinical testing. Allele origin: germline. Affected: yes. Observed: 1 variant allele.
Comment: TTN: BP4, BP7

Labcorp Genetics (formerly Invitae), Labcorp
Classification: Likely benign for Dilated cardiomyopathy 1G; Autosomal recessive limb-girdle muscular dystrophy type 2J. Last evaluated: 2026-01-07. Review status: criteria provided, single submitter. Criteria: Invitae Variant Classification Sherloc (09022015). Collection method: clinical testing. Allele origin: germline.

Molecular Diagnostic Laboratory for Inherited Cardiovascular Disease, Montreal Heart Institute
Classification: Likely benign. Last evaluated: 2025-04-09. Review status: criteria provided, single submitter. Criteria: ACMG Guidelines, 2015. Collection method: clinical testing. Allele origin: germline. Affected: no.

PreventionGenetics, part of Exact Sciences
Classification: Likely benign for TTN-related condition. Last evaluated: 2025-03-13. Review status: criteria provided, single submitter. Criteria: ACMG Guidelines, 2015. Collection method: clinical testing. Allele origin: germline.
Comment: This variant is classified as likely benign based on ACMG/AMP sequence variant interpretation guidelines (Richards et al. 2015 PMID: 25741868, with internal and published modifications).

Ambry Genetics
Classification: Likely benign for Cardiovascular phenotype. Last evaluated: 2019-08-02. Review status: criteria provided, single submitter. Criteria: Ambry Variant Classification Scheme 2023. Collection method: clinical testing. Allele origin: germline.

Illumina Laboratory Services, Illumina
Classification: Uncertain significance for Early-onset myopathy with fatal cardiomyopathy. Last evaluated: 2018-01-13. Review status: criteria provided, single submitter. Criteria: ICSL Variant Classification Criteria 13 December 2019. Collection method: clinical testing. Allele origin: germline.

Illumina Laboratory Services, Illumina
Classification: Benign for Tibial muscular dystrophy. Last evaluated: 2018-01-13. Review status: criteria provided, single submitter. Criteria: ICSL Variant Classification Criteria 13 December 2019. Collection method: clinical testing. Allele origin: germline.
Comment: This variant was observed in the ICSL laboratory as part of a predisposition screen in an ostensibly healthy population. It had not been previously curated by ICSL or reported in the Human Gene Mutation Database (HGMD: prior to June 1st, 2018), and was therefore a candidate for classification through an automated scoring system. Utilizing variant allele frequency, disease prevalence and penetrance estimates, and inheritance mode, an automated score was calculated to assess if this variant is too frequent to cause the disease. Based on the score and internal cut-off values, a variant classified as benign is not then subjected to further curation. The score for this variant resulted in a classification of benign for this disease.

Illumina Laboratory Services, Illumina
Classification: Uncertain significance for Autosomal recessive limb-girdle muscular dystrophy type 2J. Last evaluated: 2018-01-13. Review status: criteria provided, single submitter. Criteria: ICSL Variant Classification Criteria 13 December 2019. Collection method: clinical testing. Allele origin: germline.

Illumina Laboratory Services, Illumina
Classification: Benign for Myopathy, myofibrillar, 9, with early respiratory failure. Last evaluated: 2018-01-13. Review status: criteria provided, single submitter. Criteria: ICSL Variant Classification Criteria 13 December 2019. Collection method: clinical testing. Allele origin: germline.
Comment: the same text as in the submission from Illumina Laboratory Services, Illumina above.

Illumina Laboratory Services, Illumina
Classification: Uncertain significance for Dilated cardiomyopathy 1G. Last evaluated: 2018-01-13. Review status: criteria provided, single submitter. Criteria: ICSL Variant Classification Criteria 13 December 2019. Collection method: clinical testing. Allele origin: germline.

GeneDx
Classification: Likely benign. Last evaluated: 2017-11-30. Review status: criteria provided, single submitter. Criteria: GeneDx Variant Classification (06012015). Collection method: clinical testing. Allele origin: germline. Affected: yes.
Comment: This variant is considered likely benign or benign based on one or more of the following criteria: it is a conservative change, it occurs at a poorly conserved position in the protein, it is predicted to be benign by multiple in silico algorithms, and/or has population frequency not consistent with disease.

Clinical Genetics DNA and cytogenetics Diagnostics Lab, Erasmus MC, Erasmus Medical Center
Classification: Likely benign. Review status: no assertion criteria provided. Collection method: clinical testing. Allele origin: germline. Affected: yes. Study: VKGL Data-share Consensus. Not counted in ClinVar's aggregate classification.

Clinical Genetics, Academic Medical Center
Classification: Benign. Review status: no assertion criteria provided. Collection method: clinical testing. Allele origin: germline. Affected: yes. Study: VKGL Data-share Consensus. Not counted in ClinVar's aggregate classification.

NM_001267550.2(TTN):c.3132C>T (p.Ala1044=)

Gene: TTN (titin; minus strand). Cytogenetic location: 2q31.2.
Variant type: single nucleotide variant.
Coding change: c.3132C>T on transcript NM_001267550.2 (MANE Select); coding-DNA position 3132, C replaced by T.
Protein change: p.Ala1044=; no amino-acid change (alanine 1044 retained).
Molecular consequence: synonymous variant.
Genome position (GRCh38, 1-based): chr2:178,782,571, G>A on the plus strand (C>T on the coding strand, the complement: TTN is on the minus strand). VCF-style: chr2-178782571-G-A. GRCh37 (hg19) VCF-style: chr2-179647298-G-A.
Other names: c.3132C>T, p.Ala1044= (NM_001256850.1, NM_133378.4, NM_133379.5); c.2994C>T, p.Ala998= (NM_003319.4, NM_133432.3, NM_133437.4).
Identifiers: ClinVar variation 332964 (VCV000332964.24), dbSNP rs777315600, ClinGen allele CA2005628.
Genomic context (GRCh38, chr2:178,782,571, plus strand): 5'-ACAGCTACTAATTAGCAAAATATTTTACCGTTTCTCTTCTGTAGTAAATTTCTCAGTCAC[G>A]GCTGTGGTTTCCTTTTCAAATTCTTCTGACACTAAAAGAAGACAAAAGTTTCTCATTGAG-3'
Protein context (NP_001254479.2, residues 1034-1054): VSEEFEKETT[Ala1044=]VTEKFTTEEK